The following is an entry in ClinVar:

NM_018684.4(ZC4H2):c.379GAG[1] (p.Glu128del)

Gene: ZC4H2 (zinc finger C4H2-type containing; minus strand). Cytogenetic location: Xq11.2.
Variant type: Microsatellite.
Coding change: c.379GAG[1] on transcript NM_018684.4 (MANE Select); one copy of the 3-base unit GAG starting at c.379; the reference has two copies in a row; one copy, 3 bases deleted.
Protein change: p.Glu128del; deletes glutamic acid 128.
Molecular consequence: inframe deletion. On other transcripts: non-coding transcript variant (1).
Genome position (GRCh38, 1-based): chrX:64,920,095-64,920,097, CTC deleted on the plus strand (GAG on the coding strand, the reverse complement: ZC4H2 is on the minus strand); deleting any 3 consecutive bases within chrX:64,920,095-64,920,100 gives the same sequence; the position shown is the placement nearest the transcript's 3' end. VCF-style (leftmost placement, unchanged base first): chrX-64920094-TCTC-T. GRCh37 (hg19) VCF-style: chrX-64139974-TCTC-T.
Other names: c.310GAG[1], p.Glu105del (NM_001178032.3, NM_001243804.2); c.379GAG[1], p.Glu128del (NM_001178033.3); short protein forms E128del, E105del.
Identifiers: ClinVar variation 589404 (VCV000589404.5), dbSNP rs1569200350, ClinGen allele CA891844087.

ClinVar aggregate classification (germline): Uncertain significance (1 of 4 stars; one submission).

Conditions:
Inborn genetic diseases. Identifiers: MedGen C0950123, MeSH D030342.

Submission:

Ambry Genetics
Classification: Uncertain significance for Inborn genetic diseases. Last evaluated: 2016-09-20. Review status: criteria provided, single submitter. Criteria: Ambry Variant Classification Scheme 2023. Collection method: clinical testing. Allele origin: germline.
Comment: The c.382_384delGAG variant (also known as p.E128del) is located in coding exon 3 of the ZC4H2 gene. This variant results from an in-frame GAG deletion at nucleotide positions 382 to 384. This results in the in-frame deletion of a glutamic acid at codon 128. This variant was not reported in population based cohorts in the following databases: Database of Single Nucleotide Polymorphisms (dbSNP), NHLBI Exome Sequencing Project (ESP), and 1000 Genomes Project. In the ESP, this variant was not observed in 6503 samples with coverage at this position. This amino acid position is highly conserved in available vertebrate species. Since supporting evidence is limited at this time, the clinical significance of this variant remains unclear.